The following is an entry in ClinVar:

ClinVar aggregate classification (germline): Pathogenic (1 of 4 stars; one submission).

Conditions:
Galactosylceramide beta-galactosidase deficiency. Also called: GALACTOCEREBROSIDASE DEFICIENCY; GALC DEFICIENCY; GLOBOID CELL LEUKOENCEPHALOPATHY; Leukodystrophy, Globoid Cell; Krabbe Disease. Identifiers: Orphanet 487, MedGen C0023521, MONDO:0009499, OMIM 245200.

Submission:

Myriad Genetics, Inc.
Classification: Pathogenic for Galactosylceramide beta-galactosidase deficiency. Last evaluated: 2024-05-24. Review status: criteria provided, single submitter. Criteria: Myriad Autosomal Dominant, Autosomal Recessive and X-Linked Classification Criteria (2023). Collection method: clinical testing. Allele origin: unknown.
Comment: NM_000153.3(GALC):c.1239delT(K414Rfs*43) is expected to be pathogenic in the context of Krabbe disease. This variant is predicted to lead to an abnormal or absent protein product due to the creation of a premature termination codon in GALC, a gene where loss-of-function variants are known to be pathogenic. Please note: this variant was assessed in the context of healthy population screening.

NM_000153.4(GALC):c.1239del (p.Lys414fs)

Gene: GALC (galactosylceramidase; minus strand). Cytogenetic location: 14q31.3.
Variant type: Deletion.
Coding change: c.1239del on transcript NM_000153.4 (MANE Select); coding-DNA position 1239, one base deleted (T; older notation c.1239delT).
Protein change: p.Lys414fs; shifts the reading frame from lysine 414.
Molecular consequence: frameshift variant. On other transcripts: non-coding transcript variant (1).
Genome position (GRCh38, 1-based): chr14:87,950,671, A deleted on the plus strand (T on the coding strand, the reverse complement: GALC is on the minus strand); the first of 2 consecutive A bases (chr14:87,950,671-87,950,672); deleting either gives the same sequence. VCF-style (leftmost placement, unchanged base first): chr14-87950670-TA-T. GRCh37 (hg19) VCF-style: chr14-88417014-TA-T.
Other names: c.1170del, p.Lys391fs (NM_001201401.2); c.1161del, p.Lys388fs (NM_001201402.2); c.1071del, p.Lys358fs (NM_001424071.1, NM_001424072.1, NM_001424073.1); c.891del, p.Lys298fs (NM_001424074.1, NM_001424075.1); c.606del, p.Lys203fs (NM_001424076.1, NM_001424077.1); short protein forms K203fs, K298fs, K358fs, K388fs, K391fs, K414fs.
Identifiers: ClinVar variation 5013106 (VCV005013106.1).